The following is an entry in ClinVar:

NM_002292.4(LAMB2):c.4676T>C (p.Ile1559Thr)

Gene: LAMB2 (laminin subunit beta 2; minus strand). Cytogenetic location: 3p21.31.
Variant type: single nucleotide variant.
Coding change: c.4676T>C on transcript NM_002292.4 (MANE Select); coding-DNA position 4676, T replaced by C.
Protein change: p.Ile1559Thr; replaces isoleucine 1559 with threonine.
Molecular consequence: missense variant.
Genome position (GRCh38, 1-based): chr3:49,122,268, A>G on the plus strand (T>C on the coding strand, the complement: LAMB2 is on the minus strand). VCF-style: chr3-49122268-A-G. GRCh37 (hg19) VCF-style: chr3-49159701-A-G.
Other names: p.Ile1559Thr; short protein forms I1559T.
Identifiers: ClinVar variation 1480292 (VCV001480292.10), dbSNP rs748097623, ClinGen allele CA74475808.

ClinVar aggregate classification (germline): Uncertain significance. Review status: criteria provided, multiple submitters, no conflicts (2 of 4 stars). 4 submissions from 4 submitters: Uncertain significance (4). Last evaluated 2025-10-02.

Conditions:
Pierson syndrome. Also called: MICROCORIA-CONGENITAL NEPHROTIC SYNDROME. Identifiers: Orphanet 2670, MedGen C1836876, MONDO:0012184, OMIM 609049.
LAMB2-related infantile-onset nephrotic syndrome. Also called: NEPHROTIC SYNDROME, TYPE 5, WITHOUT OCULAR ABNORMALITIES; NEPHROTIC SYNDROME, TYPE 5, WITH OCULAR ABNORMALITIES; Nephrotic Syndrome, type 5. Identifiers: Orphanet 306507, MedGen C3280113, MONDO:0013621, OMIM 614199.

Allele frequency attached by ClinVar (database versions not stated): gnomAD 0.00001; TOPMed 0.00001.

Submissions (4):

Labcorp Genetics (formerly Invitae), Labcorp
Classification: Uncertain significance for LAMB2-related infantile-onset nephrotic syndrome; Pierson syndrome. Last evaluated: 2025-10-02. Review status: criteria provided, single submitter. Criteria: Invitae Variant Classification Sherloc (09022015). Collection method: clinical testing. Allele origin: germline.
Comment: This sequence change replaces isoleucine, which is neutral and non-polar, with threonine, which is neutral and polar, at codon 1559 of the LAMB2 protein (p.Ile1559Thr). This variant is not present in population databases (gnomAD no frequency). This missense change has been observed in individual(s) with focal and segmental glomerulosclerosis (PMID: 31308072). ClinVar contains an entry for this variant (Variation ID: 1480292). An algorithm developed to predict the effect of missense changes on protein structure and function (PolyPhen-2) suggests that this variant is likely to be disruptive. In summary, the available evidence is currently insufficient to determine the role of this variant in disease. Therefore, it has been classified as a Variant of Uncertain Significance.

Fulgent Genetics
Classification: Uncertain significance for Pierson syndrome; LAMB2-related infantile-onset nephrotic syndrome. Last evaluated: 2024-02-01. Review status: criteria provided, single submitter. Criteria: ACMG Guidelines, 2015. Collection method: clinical testing. Allele origin: germline.

Mayo Clinic Laboratories, Mayo Clinic
Classification: Uncertain significance. Last evaluated: 2022-12-22. Review status: criteria provided, single submitter. Criteria: ACMG Guidelines, 2015. Collection method: clinical testing. Allele origin: germline. Observed: 1 variant allele.
Comment: PM2

Juno Genomics, Hangzhou Juno Genomics, Inc
Classification: Uncertain significance for LAMB2-related infantile-onset nephrotic syndrome; Pierson syndrome. Review status: criteria provided, single submitter. Criteria: ACMG Guidelines, 2015. Collection method: clinical testing. Allele origin: germline.
Comment: Absent from controls (or at extremely low frequency if recessive) in Genome Aggregation Database.;Multiple lines of computational evidence support a deleterious effect on the gene or gene product.

Literature cited by the submitters: PubMed 31308072 (cited by Labcorp Genetics (formerly Invitae), Labcorp).